The following is an entry in ClinVar:

ClinVar aggregate classification (germline): Uncertain significance (1 of 4 stars; one submission).

Allele frequency attached by ClinVar (database versions not stated): gnomAD exomes 0.00002; TOPMed 0.00006; gnomAD 0.00003; ExAC 0.00008.
gnomAD v4.1: 34 of 1,612,728 alleles (0.0021%); highest among the groups gnomAD compares: Admixed American, 0.053%; no homozygotes.

Submission:

Labcorp Genetics (formerly Invitae), Labcorp
Classification: Uncertain significance. Last evaluated: 2025-09-11. Review status: criteria provided, single submitter. Criteria: Invitae Variant Classification Sherloc (09022015). Collection method: clinical testing. Allele origin: germline.
Comment: This sequence change replaces leucine, which is neutral and non-polar, with phenylalanine, which is neutral and non-polar, at codon 582 of the TRAP1 protein (p.Leu582Phe). This variant is present in population databases (rs774558345, gnomAD 0.07%), and has an allele count higher than expected for a pathogenic variant. This variant has not been reported in the literature in individuals affected with TRAP1-related conditions. ClinVar contains an entry for this variant (Variation ID: 2066766). Invitae Evidence Modeling of protein sequence and biophysical properties (such as structural, functional, and spatial information, amino acid conservation, physicochemical variation, residue mobility, and thermodynamic stability) indicates that this missense variant is not expected to disrupt TRAP1 protein function with a negative predictive value of 80%. In summary, the available evidence is currently insufficient to determine the role of this variant in disease. Therefore, it has been classified as a Variant of Uncertain Significance.

NM_016292.3(TRAP1):c.1744C>T (p.Leu582Phe)

Genes: DNASE1 (deoxyribonuclease 1; plus strand), TRAP1 (TNF receptor associated protein 1; minus strand). Cytogenetic location: 16p13.3.
Variant type: single nucleotide variant.
Coding change: c.1744C>T on transcript NM_016292.3 (MANE Select); coding-DNA position 1744, C replaced by T.
Protein change: p.Leu582Phe; replaces leucine 582 with phenylalanine.
Molecular consequence: missense variant. On other transcripts: 3 prime UTR variant (1).
Genome position (GRCh38, 1-based): chr16:3,662,932, G>A on the plus strand (C>T on the coding strand, the complement: TRAP1 is on the minus strand). VCF-style: chr16-3662932-G-A. GRCh37 (hg19) VCF-style: chr16-3712933-G-A.
Other names: c.1585C>T, p.Leu529Phe (NM_001272049.2); c.*308G>A (NM_001387140.1); short protein forms L529F, L582F.
Identifiers: ClinVar variation 2066766 (VCV002066766.3), dbSNP rs774558345, ClinGen allele CA7867901.